The following is an entry in ClinVar:

ClinVar aggregate classification (germline): Uncertain significance (1 of 4 stars; one submission).

Conditions:
Cystic fibrosis (CF). Also called: MUCOVISCIDOSIS. Identifiers: Orphanet 586, MedGen C0010674, MONDO:0009061, OMIM 219700. Disease mechanism: loss of function.

Allele frequency attached by ClinVar (database versions not stated): 1000 Genomes Project 30x 0.00031; 1000 Genomes Project 0.00040; gnomAD 0.00002.

Submission:

Labcorp Genetics (formerly Invitae), Labcorp
Classification: Uncertain significance for Cystic fibrosis. Last evaluated: 2022-04-13. Review status: criteria provided, single submitter. Criteria: Invitae Variant Classification Sherloc (09022015). Collection method: clinical testing. Allele origin: germline.
Comment: This variant occurs in a non-coding region of the CFTR gene. It does not change the encoded amino acid sequence of the CFTR protein. This variant is present in population databases (rs559554356, gnomAD 0.06%). This variant has been observed in individual(s) with congenital bilateral absence of vas deferens (PMID: 26814065). Algorithms developed to predict the effect of variants on protein structure and function are not available or were not evaluated for this variant. Experimental studies have shown that this variant affects CFTR function (PMID: 31357024). In summary, the available evidence is currently insufficient to determine the role of this variant in disease. Therefore, it has been classified as a Variant of Uncertain Significance.

Literature cited by the submitters: PubMed 26814065; PubMed 31357024.

NC_000007.14:g.117479900C>A

Genes: CFTR (CF transmembrane conductance regulator; plus strand), LOC111674463 (CFTR promoter region; plus strand). Cytogenetic location: 7q31.2.
Variant type: single nucleotide variant.
Genome position: GRCh38 VCF-style: chr7-117479900-C-A. GRCh37 (hg19) VCF-style: chr7-117119954-C-A.
Identifiers: ClinVar variation 2198064 (VCV002198064.2), dbSNP rs559554356, ClinGen allele CA164948658.